The following is an entry in ClinVar:

NM_001148.6(ANK2):c.11188A>G (p.Lys3730Glu)

Gene: ANK2 (ankyrin 2; plus strand). Cytogenetic location: 4q26.
Variant type: single nucleotide variant.
Coding change: c.11188A>G on transcript NM_001148.6 (MANE Select); coding-DNA position 11188, A replaced by G.
Protein change: p.Lys3730Glu; replaces lysine 3730 with glutamic acid.
Molecular consequence: missense variant.
Genome position (GRCh38, 1-based): chr4:113,367,721, A>G. VCF-style: chr4-113367721-A-G. GRCh37 (hg19) VCF-style: chr4-114288877-A-G.
Other names: c.11188A>G (NM_001148.4); c.4906A>G, p.Lys1636Glu (NM_001127493.3); c.4945A>G, p.Lys1649Glu (NM_001354225.2); c.4834A>G, p.Lys1612Glu (NM_001354228.2, NM_001354258.2); c.4912A>G, p.Lys1638Glu (NM_001354230.2); c.4975A>G, p.Lys1659Glu (NM_001354231.2, NM_001354242.2); c.4969A>G, p.Lys1657Glu (NM_001354232.2); c.4930A>G, p.Lys1644Glu (NM_001354235.2, NM_001354246.2, NM_001354265.2); and 36 more; short protein forms K1517E, K1579E, K1628E, K1636E, K1644E, K1649E, K1545E, K1550E.
Identifiers: ClinVar variation 871113 (VCV000871113.41), dbSNP rs2096587836, ClinGen allele CA357942155.

ClinVar aggregate classification (germline): Uncertain significance. Review status: criteria provided, multiple submitters, no conflicts (2 of 4 stars). 2 submissions from 2 submitters: Uncertain significance (2). Last evaluated 2025-03-06.

Allele frequency attached by ClinVar (database versions not stated): gnomAD exomes below 0.00001.
gnomAD v4.1: 1 of 1,613,870 alleles (0.000062%); highest among the groups gnomAD compares: African/African-American, 0.0013%; no homozygotes.

Submissions (2):

GeneDx
Classification: Uncertain significance. Last evaluated: 2025-03-06. Review status: criteria provided, single submitter. Criteria: GeneDx Variant Classification Process June 2021. Collection method: clinical testing. Allele origin: germline. Affected: yes.
Comment: Not observed at significant frequency in large population cohorts (gnomAD); In silico analysis indicates that this missense variant does not alter protein structure/function; Has not been previously published as pathogenic or benign to our knowledge

CeGaT Center for Human Genetics Tuebingen
Classification: Uncertain significance. Last evaluated: 2019-09-01. Review status: criteria provided, single submitter. Criteria: CeGaT Center For Human Genetics Tuebingen Variant Classification Criteria Version 2. Collection method: clinical testing. Allele origin: germline. Affected: yes. Observed: 3 variant alleles.